The following is an entry in ClinVar:

NM_001113378.2(FANCI):c.1105A>T (p.Lys369Ter)

Gene: FANCI (FA complementation group I; plus strand). Cytogenetic location: 15q26.1.
Variant type: single nucleotide variant.
Coding change: c.1105A>T on transcript NM_001113378.2 (MANE Select); coding-DNA position 1105, A replaced by T.
Protein change: p.Lys369Ter; replaces lysine 369 with a stop codon.
Molecular consequence: nonsense.
Genome position (GRCh38, 1-based): chr15:89,274,297, A>T. VCF-style: chr15-89274297-A-T. GRCh37 (hg19) VCF-style: chr15-89817528-A-T.
Other names: c.826A>T, p.Lys276Ter (NM_001376910.1); c.1105A>T, p.Lys369Ter (NM_001376911.1, NM_018193.3); short protein forms K369*, K276*.
Identifiers: ClinVar variation 2751796 (VCV002751796.3), dbSNP rs2053320150, ClinGen allele CA393741778.

ClinVar aggregate classification (germline): Pathogenic (1 of 4 stars; one submission).

Conditions:
Fanconi anemia (FA). Also called: Fanconi's anemia. Identifiers: Orphanet 84, MedGen C0015625, MeSH D005199, MONDO:0019391.

gnomAD v4.1: 1 of 1,613,616 alleles (0.000062%); no homozygotes.

Submission:

Labcorp Genetics (formerly Invitae), Labcorp
Classification: Pathogenic for Fanconi anemia. Last evaluated: 2023-08-10. Review status: criteria provided, single submitter. Criteria: Invitae Variant Classification Sherloc (09022015). Collection method: clinical testing. Allele origin: germline.
Comment: This sequence change creates a premature translational stop signal (p.Lys369*) in the FANCI gene. It is expected to result in an absent or disrupted protein product. Loss-of-function variants in FANCI are known to be pathogenic (PMID: 17452773, 17460694). This variant is not present in population databases (gnomAD no frequency). This variant has not been reported in the literature in individuals affected with FANCI-related conditions. Algorithms developed to predict the effect of sequence changes on RNA splicing suggest that this variant may disrupt the consensus splice site. For these reasons, this variant has been classified as Pathogenic.

Literature cited by the submitters: PubMed 17452773; PubMed 17460694.